The following is an entry in ClinVar:

ClinVar aggregate classification (germline): Uncertain significance. Review status: criteria provided, multiple submitters, no conflicts (2 of 4 stars). 2 submissions from 2 submitters: Uncertain significance (2). Last evaluated 2024-05-12.

Conditions:
Hearing loss, autosomal dominant 83. Also called: Deafness, autosomal dominant 83. Identifiers: MedGen C5676951, MONDO:0030723, OMIM 619808.

gnomAD v4.1: 65 of 1,613,974 alleles (0.004%); highest among the groups gnomAD compares: South Asian, 0.056%; no homozygotes.

Submissions (2):

GeneDx
Classification: Uncertain significance. Last evaluated: 2024-05-12. Review status: criteria provided, single submitter. Criteria: GeneDx Variant Classification Process June 2021. Collection method: clinical testing. Allele origin: germline. Affected: yes.
Comment: In silico analysis indicates that this missense variant does not alter protein structure/function; Has not been previously published as pathogenic or benign to our knowledge

Neuberg Centre For Genomic Medicine, NCGM
Classification: Uncertain significance for Hearing loss, autosomal dominant 83. Last evaluated: 2023-06-22. Review status: criteria provided, single submitter. Criteria: ACMG Guidelines, 2015. Collection method: clinical testing. Allele origin: germline. Inheritance: Autosomal dominant inheritance. Affected: yes.
Comment: The observed missense c.5842C>T(p.Arg1948Trp) variant in MAP1B gene has not been reported previously as a pathogenic variant nor as a benign variant, to our knowledge. This variant is present with an allele frequency of 0.005% in gnomAD Exomes database. This variant has not been reported to the ClinVar database. Computational evidence (Polyphen - probably damaging, SIFT -Damaging and MutationTaster -polymorphism) predicts conflicting evidence on protein structure and function for this variant. The amino acid change p.Arg1948Trp in MAP1B is predicted as conserved by GERP++ and PhyloP across 100 vertebrates. This variant has not been reported to the ClinVar database. The amino acid Arg at position 1948 is changed to a Trp changing protein sequence and it might alter its composition and physico-chemical properties. For these reasons, this variant has been classified as Uncertain Significance.

NM_005909.5(MAP1B):c.5842C>T (p.Arg1948Trp)

Gene: MAP1B (microtubule associated protein 1B; plus strand). Cytogenetic location: 5q13.2.
Variant type: single nucleotide variant.
Coding change: c.5842C>T on transcript NM_005909.5 (MANE Select); coding-DNA position 5842, C replaced by T.
Protein change: p.Arg1948Trp; replaces arginine 1948 with tryptophan.
Molecular consequence: missense variant.
Genome position (GRCh38, 1-based): chr5:72,199,197, C>T. VCF-style: chr5-72199197-C-T. GRCh37 (hg19) VCF-style: chr5-71495024-C-T.
Other names: c.5464C>T, p.Arg1822Trp (NM_001324255.2); c.5842C>T (NM_005909.3); short protein forms R1822W, R1948W.
Identifiers: ClinVar variation 3377583 (VCV003377583.1).